The following is an entry in ClinVar:

NM_152703.5(SAMD9L):c.3521A>T (p.Asn1174Ile)

Gene: SAMD9L (sterile alpha motif domain containing 9 like; minus strand). Cytogenetic location: 7q21.2.
Variant type: single nucleotide variant.
Coding change: c.3521A>T on transcript NM_152703.5 (MANE Select); coding-DNA position 3521, A replaced by T.
Protein change: p.Asn1174Ile; replaces asparagine 1174 with isoleucine.
Molecular consequence: missense variant.
Genome position (GRCh38, 1-based): chr7:93,132,451, T>A on the plus strand (A>T on the coding strand, the complement: SAMD9L is on the minus strand). VCF-style: chr7-93132451-T-A. GRCh37 (hg19) VCF-style: chr7-92761764-T-A.
Other names: c.3521A>T, p.Asn1174Ile (NM_001303496.3, NM_001303497.3, NM_001303498.3 and 5 more transcripts); short protein forms N1174I.
Identifiers: ClinVar variation 4159447 (VCV004159447.1).

ClinVar aggregate classification (germline): Uncertain significance (1 of 4 stars; one submission).

Conditions:
Inborn genetic diseases. Identifiers: MedGen C0950123, MeSH D030342.

Submission:

Ambry Genetics
Classification: Uncertain significance for Inborn genetic diseases. Last evaluated: 2025-08-31. Review status: criteria provided, single submitter. Criteria: Ambry Variant Classification Scheme 2023. Collection method: clinical testing. Allele origin: germline.
Comment: The p.N1174I variant (also known as c.3521A>T), located in coding exon 1 of the SAMD9L gene, results from an A to T substitution at nucleotide position 3521. The asparagine at codon 1174 is replaced by isoleucine, an amino acid with dissimilar properties. This amino acid position is conserved. In addition, this alteration is predicted to be tolerated by in silico analysis. Based on the available evidence, the clinical significance of this variant remains unclear.